The following is an entry in ClinVar:

NM_001927.4(DES):c.999C>G (p.Cys333Trp)

Gene: DES (desmin; plus strand). Cytogenetic location: 2q35.
Variant type: single nucleotide variant.
Coding change: c.999C>G on transcript NM_001927.4 (MANE Select); coding-DNA position 999, C replaced by G.
Protein change: p.Cys333Trp; replaces cysteine 333 with tryptophan.
Molecular consequence: missense variant. On other transcripts: intron variant (1).
Genome position (GRCh38, 1-based): chr2:219,420,929, C>G. VCF-style: chr2-219420929-C-G. GRCh37 (hg19) VCF-style: chr2-220285651-C-G.
Other names: c.996C>G, p.Cys332Trp (NM_001382708.1); c.999C>G, p.Cys333Trp (NM_001382710.1, NM_001382711.1, NM_001382712.1); c.729C>G, p.Cys243Trp (NM_001382713.1); c.736-555C>G (NM_001382709.1); short protein forms C332W, C333W, C243W.
Identifiers: ClinVar variation 2585856 (VCV002585856.2), dbSNP rs1157722667, ClinGen allele CA350693183.
Genomic context (GRCh38, chr2:219,420,929, plus strand): 5'-CCTGCGCCAGGCCAAGCAGGAGATGATGGAATACCGACACCAGATCCAGTCCTACACCTG[C>G]GAGATTGACGCCCTGAAGGGCACTGTGAGTCCCTGCCCACCTGGCCAGGCCCTGCCCCTT-3'
Protein context (NP_001918.3, residues 323-343): EYRHQIQSYT[Cys333Trp]EIDALKGTND

ClinVar aggregate classification (germline): Uncertain significance (1 of 4 stars; one submission).

Conditions:
Cardiovascular phenotype. Identifiers: MedGen CN230736.

gnomAD v4.1: 1 of 1,613,512 alleles (0.000062%); highest among the groups gnomAD compares: Non-Finnish European, 0.000085%; no homozygotes.

Submission:

Ambry Genetics
Classification: Uncertain significance for Cardiovascular phenotype. Last evaluated: 2023-07-15. Review status: criteria provided, single submitter. Criteria: Ambry Variant Classification Scheme 2023. Collection method: clinical testing. Allele origin: germline.
Comment: The p.C333W variant (also known as c.999C>G), located in coding exon 5 of the DES gene, results from a C to G substitution at nucleotide position 999. The cysteine at codon 333 is replaced by tryptophan, an amino acid with highly dissimilar properties. This amino acid position is conserved. In addition, this alteration is predicted to be deleterious by in silico analysis. Since supporting evidence is limited at this time, the clinical significance of this alteration remains unclear.